The following is an entry in ClinVar:

ClinVar aggregate classification (germline): Uncertain significance. Review status: criteria provided, multiple submitters, no conflicts (2 of 4 stars). 3 submissions from 3 submitters: Uncertain significance (3). Last evaluated 2025-06-11.

Conditions:
Inborn genetic diseases. Identifiers: MedGen C0950123, MeSH D030342.

Allele frequency attached by ClinVar (database versions not stated): gnomAD exomes 0.00006 and 0.00009; ExAC 0.00009; gnomAD 0.00010 and 0.00011; TOPMed 0.00012; ESP Exome Variant Server 0.00023.

Submissions (3):

GeneDx
Classification: Uncertain significance. Last evaluated: 2025-06-11. Review status: criteria provided, single submitter. Criteria: GeneDx Variant Classification Process June 2021. Collection method: clinical testing. Allele origin: germline. Affected: yes.
Comment: Not observed at significant frequency in large population cohorts (gnomAD); In silico analysis suggests that this missense variant does not alter protein structure/function; Has not been previously published as pathogenic or benign to our knowledge

Ambry Genetics
Classification: Uncertain significance for Inborn genetic diseases. Last evaluated: 2024-10-06. Review status: criteria provided, single submitter. Criteria: Ambry Variant Classification Scheme 2023. Collection method: clinical testing. Allele origin: germline.

CeGaT Center for Human Genetics Tuebingen
Classification: Uncertain significance. Last evaluated: 2017-05-01. Review status: criteria provided, single submitter. Criteria: CeGaT Center For Human Genetics Tuebingen Variant Classification Criteria Version 2. Collection method: clinical testing. Allele origin: germline. Affected: yes. Observed: 1 variant allele.

NM_001163809.2(WDR81):c.3154A>G (p.Met1052Val)

Gene: WDR81 (WD repeat domain 81; plus strand). Cytogenetic location: 17p13.3.
Variant type: single nucleotide variant.
Coding change: c.3154A>G on transcript NM_001163809.2 (MANE Select); coding-DNA position 3154, A replaced by G.
Protein change: p.Met1052Val; replaces methionine 1052 with valine.
Molecular consequence: missense variant. On other transcripts: initiator codon variant (1), intron variant (2).
Genome position (GRCh38, 1-based): chr17:1,728,113, A>G. VCF-style: chr17-1728113-A-G. GRCh37 (hg19) VCF-style: chr17-1631407-A-G.
Other names: c.1A>G, p.Met1Val (NM_152348.4); c.59-2267A>G (NM_001163673.2); c.-14-2267A>G (NM_001163811.2); c.3154A>G (NM_001163809.1); short protein forms M1052V, M1V.
Identifiers: ClinVar variation 808187 (VCV000808187.47), dbSNP rs377204514, ClinGen allele CA8273188.